The following is an entry in ClinVar:

ClinVar aggregate classification (germline): Pathogenic/Likely pathogenic. Review status: criteria provided, multiple submitters, no conflicts (2 of 4 stars). 2 submissions from 2 submitters: Pathogenic (1); Likely pathogenic (1). Last evaluated 2025-12-29.

Conditions:
Fatal mitochondrial disease due to combined oxidative phosphorylation defect type 3. Also called: Combined oxidative phosphorylation deficiency 3; ENCEPHALOMYOPATHY, RESPIRATORY FAILURE, AND LACTIC ACIDOSIS. Identifiers: Orphanet 168566, MedGen C1864840, MONDO:0012512, OMIM 610505.

Submissions (2):

Natera, Inc.
Classification: Likely pathogenic for Combined oxidative phosphorylation deficiency 3. Last evaluated: 2025-12-29. Review status: criteria provided, single submitter. Criteria: Natera Variant Classification Schema (03/2026). Collection method: clinical testing. Allele origin: germline.
Comment: The c.17C>A variant in TSFM is a nonsense variant predicted to introduce a stop codon at amino acid 6. This variant is expected to result in nonsense mediated decay, truncation, or a dysfunctional protein product. This variant is rare in the general population with a frequency below the threshold expected for the associated phenotype(s). Given the available evidence, this variant is classified as Likely Pathogenic.

Labcorp Genetics (formerly Invitae), Labcorp
Classification: Pathogenic. Last evaluated: 2022-01-15. Review status: criteria provided, single submitter. Criteria: Invitae Variant Classification Sherloc (09022015). Collection method: clinical testing. Allele origin: germline.
Comment: The frequency data for this variant in the population databases is considered unreliable, as metrics indicate poor data quality at this position in the gnomAD database. This sequence change creates a premature translational stop signal (p.Ser6*) in the TSFM gene. It is expected to result in an absent or disrupted protein product. Loss-of-function variants in TSFM are known to be pathogenic (PMID: 17033963, 20435138, 25037205, 27677415). For these reasons, this variant has been classified as Pathogenic. This variant has not been reported in the literature in individuals affected with TSFM-related conditions.

Literature cited by the submitters: PubMed 17033963 (cited by Labcorp Genetics (formerly Invitae), Labcorp); PubMed 20435138 (cited by Labcorp Genetics (formerly Invitae), Labcorp); PubMed 25037205 (cited by Labcorp Genetics (formerly Invitae), Labcorp); PubMed 27677415 (cited by Labcorp Genetics (formerly Invitae), Labcorp).

NM_005726.6(TSFM):c.17C>A (p.Ser6Ter)

Gene: TSFM (Ts translation elongation factor, mitochondrial; plus strand). Cytogenetic location: 12q14.1.
Variant type: single nucleotide variant.
Coding change: c.17C>A on transcript NM_005726.6 (MANE Select); coding-DNA position 17, C replaced by A.
Protein change: p.Ser6Ter; replaces serine 6 with a stop codon.
Molecular consequence: nonsense.
Genome position (GRCh38, 1-based): chr12:57,782,818, C>A. VCF-style: chr12-57782818-C-A. GRCh37 (hg19) VCF-style: chr12-58176601-C-A.
Other names: c.17C>A, p.Ser6Ter (NM_001172695.2, NM_001172696.2, NM_001172697.2); c.17C>A (NM_001172696.1); short protein forms S6*.
Identifiers: ClinVar variation 1361252 (VCV001361252.9), dbSNP rs372337739, ClinGen allele CA385522923.